The following is an entry in ClinVar:

NM_002519.3(NPAT):c.2032G>A (p.Gly678Arg)

Gene: NPAT (nuclear protein, coactivator of histone transcription; minus strand). Cytogenetic location: 11q22.3.
Variant type: single nucleotide variant.
Coding change: c.2032G>A on transcript NM_002519.3 (MANE Select); coding-DNA position 2032, G replaced by A.
Protein change: p.Gly678Arg; replaces glycine 678 with arginine.
Molecular consequence: missense variant.
Genome position (GRCh38, 1-based): chr11:108,172,952, C>T on the plus strand (G>A on the coding strand, the complement: NPAT is on the minus strand). VCF-style: chr11-108172952-C-T. GRCh37 (hg19) VCF-style: chr11-108043679-C-T.
Other names: c.2032G>A, p.Gly678Arg (NM_001321307.1); c.2032G>A (NM_002519.2); short protein forms G678R.
Identifiers: ClinVar variation 2186276 (VCV002186276.7), dbSNP rs540109611, ClinGen allele CA6263898.

ClinVar aggregate classification (germline): Uncertain significance. Review status: criteria provided, multiple submitters, no conflicts (2 of 4 stars). 2 submissions from 2 submitters: Uncertain significance (2). Last evaluated 2025-08-11.

Allele frequency attached by ClinVar (database versions not stated): gnomAD 0.00004; gnomAD exomes 0.00006; ExAC 0.00018; 1000 Genomes Project 30x 0.00031; 1000 Genomes Project 0.00040.
gnomAD v4.1: 102 of 1,614,102 alleles (0.0063%); highest among the groups gnomAD compares: South Asian, 0.11%; 2 homozygotes.

Submissions (2):

Ambry Genetics
Classification: Uncertain significance. Last evaluated: 2025-08-11. Review status: criteria provided, single submitter. Criteria: Ambry Variant Classification Scheme 2023. Collection method: clinical testing. Allele origin: germline.

Labcorp Genetics (formerly Invitae), Labcorp
Classification: Uncertain significance. Last evaluated: 2022-05-29. Review status: criteria provided, single submitter. Criteria: Invitae Variant Classification Sherloc (09022015). Collection method: clinical testing. Allele origin: germline.
Comment: Algorithms developed to predict the effect of sequence changes on RNA splicing suggest that this variant may create or strengthen a splice site. In summary, the available evidence is currently insufficient to determine the role of this variant in disease. Therefore, it has been classified as a Variant of Uncertain Significance. Algorithms developed to predict the effect of missense changes on protein structure and function output the following: SIFT: "Tolerated"; PolyPhen-2: "Benign"; Align-GVGD: "Class C0". The arginine amino acid residue is found in multiple mammalian species, which suggests that this missense change does not adversely affect protein function. This sequence change replaces glycine, which is neutral and non-polar, with arginine, which is basic and polar, at codon 678 of the NPAT protein (p.Gly678Arg). This variant is present in population databases (rs540109611, gnomAD 0.1%), and has an allele count higher than expected for a pathogenic variant. This variant has not been reported in the literature in individuals affected with NPAT-related conditions.